The following is an entry in ClinVar:

NM_006204.4(PDE6C):c.1266C>T (p.Thr422=)

Gene: PDE6C (phosphodiesterase 6C; plus strand). Cytogenetic location: 10q23.33.
Variant type: single nucleotide variant.
Coding change: c.1266C>T on transcript NM_006204.4 (MANE Select); coding-DNA position 1266, C replaced by T.
Protein change: p.Thr422=; no amino-acid change (threonine 422 retained).
Molecular consequence: synonymous variant.
Genome position (GRCh38, 1-based): chr10:93,634,904, C>T. VCF-style: chr10-93634904-C-T. GRCh37 (hg19) VCF-style: chr10-95394661-C-T.
Other names: c.1266C>T (NM_006204.3).
Identifiers: ClinVar variation 199120 (VCV000199120.16), dbSNP rs530593118, ClinGen allele CA248146.

ClinVar aggregate classification (germline): Conflicting classifications of pathogenicity. Review status: criteria provided, conflicting classifications (1 of 4 stars). 4 submissions from 4 submitters: Uncertain significance (1); Likely benign (3). Last evaluated 2025-11-18.

Conditions:
PDE6C-related disorder. Also called: PDE6C-related condition.

Allele frequency attached by ClinVar (database versions not stated): gnomAD exomes 0.00001 and 0.00003; ExAC 0.00002; gnomAD 0.00003; TOPMed 0.00003; 1000 Genomes Project 30x 0.00016; 1000 Genomes Project 0.00020.
gnomAD v4.1: 38 of 1,613,770 alleles (0.0024%); highest among the groups gnomAD compares: Admixed American, 0.04%; no homozygotes.

Submissions (4):

Labcorp Genetics (formerly Invitae), Labcorp
Classification: Likely benign. Last evaluated: 2025-11-18. Review status: criteria provided, single submitter. Criteria: Invitae Variant Classification Sherloc (09022015). Collection method: clinical testing. Allele origin: germline.

PreventionGenetics, part of Exact Sciences
Classification: Likely benign for PDE6C-related condition. Last evaluated: 2025-04-15. Review status: criteria provided, single submitter. Criteria: ACMG Guidelines, 2015. Collection method: clinical testing. Allele origin: germline.
Comment: This variant is classified as likely benign based on ACMG/AMP sequence variant interpretation guidelines (Richards et al. 2015 PMID: 25741868, with internal and published modifications).

Blueprint Genetics
Classification: Likely benign. Last evaluated: 2024-07-24. Review status: criteria provided, single submitter. Criteria: ACMG Guidelines, 2015. Collection method: clinical testing. Allele origin: germline.

Eurofins Ntd Llc (ga)
Classification: Uncertain significance. Last evaluated: 2014-10-28. Review status: criteria provided, single submitter. Criteria: EGL Classification Definitions 2015. Collection method: clinical testing. Allele origin: germline. Observed: 1 variant allele, 1 heterozygote.